The following is an entry in ClinVar:

NM_032387.5(WNK4):c.3424C>T (p.Arg1142Trp)

Gene: WNK4 (WNK lysine deficient protein kinase 4; plus strand). Cytogenetic location: 17q21.2.
Variant type: single nucleotide variant.
Coding change: c.3424C>T on transcript NM_032387.5 (MANE Select); coding-DNA position 3424, C replaced by T.
Protein change: p.Arg1142Trp; replaces arginine 1142 with tryptophan.
Molecular consequence: missense variant.
Genome position (GRCh38, 1-based): chr17:42,796,026, C>T. VCF-style: chr17-42796026-C-T. GRCh37 (hg19) VCF-style: chr17-40948044-C-T.
Other names: c.2416C>T, p.Arg806Trp (NM_001321299.2); short protein forms R1142W, R806W.
Identifiers: ClinVar variation 2977574 (VCV002977574.4), dbSNP rs371972756, ClinGen allele CA8584574.

ClinVar aggregate classification (germline): Uncertain significance. Review status: criteria provided, multiple submitters, no conflicts (2 of 4 stars). 2 submissions from 2 submitters: Uncertain significance (2). Last evaluated 2025-11-04.

Conditions:
Pseudohypoaldosteronism type 2B (PHA2B). Also called: Pseudohypoaldosteronism Type IIB. Identifiers: Orphanet 757, Orphanet 88939, MedGen C1840390, MONDO:0013777, OMIM 614491.

Allele frequency attached by ClinVar (database versions not stated): gnomAD exomes 0.00002; ExAC 0.00004; gnomAD 0.00004; TOPMed 0.00006; ESP Exome Variant Server 0.00008.
gnomAD v4.1: 34 of 1,613,732 alleles (0.0021%); highest among the groups gnomAD compares: African/African-American, 0.012%; no homozygotes.

Submissions (2):

Labcorp Genetics (formerly Invitae), Labcorp
Classification: Uncertain significance. Last evaluated: 2025-11-04. Review status: criteria provided, single submitter. Criteria: Invitae Variant Classification Sherloc (09022015). Collection method: clinical testing. Allele origin: germline.
Comment: This sequence change replaces arginine, which is basic and polar, with tryptophan, which is neutral and slightly polar, at codon 1142 of the WNK4 protein (p.Arg1142Trp). This variant is present in population databases (rs371972756, gnomAD 0.03%). This variant has not been reported in the literature in individuals affected with WNK4-related conditions. ClinVar contains an entry for this variant (Variation ID: 2977574). Invitae Evidence Modeling of protein sequence and biophysical properties (such as structural, functional, and spatial information, amino acid conservation, physicochemical variation, residue mobility, and thermodynamic stability) indicates that this missense variant is not expected to disrupt WNK4 protein function with a negative predictive value of 95%. In summary, the available evidence is currently insufficient to determine the role of this variant in disease. Therefore, it has been classified as a Variant of Uncertain Significance.

Fulgent Genetics
Classification: Uncertain significance for Pseudohypoaldosteronism type 2B. Last evaluated: 2024-04-23. Review status: criteria provided, single submitter. Criteria: ACMG Guidelines, 2015. Collection method: clinical testing. Allele origin: germline.